The following is an entry in ClinVar:

ClinVar aggregate classification (germline): Uncertain significance (1 of 4 stars; one submission).

Conditions:
Stromme syndrome (STROMS). Also called: APPLE PEEL SYNDROME WITH MICROCEPHALY AND OCULAR ANOMALIES; Strømme Syndrome; Ciliary dyskinesia, primary, 31. Identifiers: Orphanet 444069, Orphanet 506307, MedGen C1855705, MONDO:0009477, OMIM 243605.

Submission:

Baylor Genetics
Classification: Uncertain significance for Stromme syndrome. Last evaluated: 2019-09-22. Review status: criteria provided, single submitter. Criteria: ACMG Guidelines, 2015. Collection method: clinical testing. Allele origin: unknown. Affected: yes.
Comment: This variant was determined to be of uncertain significance according to ACMG Guidelines, 2015 [PMID:25741868].

NM_016343.4(CENPF):c.3242A>T (p.Glu1081Val)

Gene: CENPF (centromere protein F; plus strand). Cytogenetic location: 1q41.
Variant type: single nucleotide variant.
Coding change: c.3242A>T on transcript NM_016343.4 (MANE Select); coding-DNA position 3242, A replaced by T.
Protein change: p.Glu1081Val; replaces glutamic acid 1081 with valine.
Molecular consequence: missense variant.
Genome position (GRCh38, 1-based): chr1:214,641,580, A>T. VCF-style: chr1-214641580-A-T. GRCh37 (hg19) VCF-style: chr1-214814923-A-T.
Other names: short protein forms E1081V.
Identifiers: ClinVar variation 1029442 (VCV001029442.1), dbSNP rs1658115070, ClinGen allele CA344825573.
Genomic context (GRCh38, chr1:214,641,580, plus strand): 5'-CTAGTCTTTGTGAAAATAGGAAAAATGAGTTGGAACAGCTAAAGGAAGCATTTGCAAAGG[A>T]ACACCAAGAATTCTTAACAAAATTAGCATTTGCTGAAGAAAGAAATCAGAATCTGATGCT-3'
Protein context (NP_057427.3, residues 1071-1091): LEQLKEAFAK[Glu1081Val]HQEFLTKLAF